The following is an entry in ClinVar:

NM_004260.4(RECQL4):c.905C>T (p.Pro302Leu)

Gene: RECQL4 (RecQ like helicase 4; minus strand). Cytogenetic location: 8q24.3.
Variant type: single nucleotide variant.
Coding change: c.905C>T on transcript NM_004260.4 (MANE Select); coding-DNA position 905, C replaced by T.
Protein change: p.Pro302Leu; replaces proline 302 with leucine.
Molecular consequence: missense variant.
Genome position (GRCh38, 1-based): chr8:144,516,214, G>A on the plus strand (C>T on the coding strand, the complement: RECQL4 is on the minus strand). VCF-style: chr8-144516214-G-A. GRCh37 (hg19) VCF-style: chr8-145741598-G-A.
Other names: short protein forms P302L.
Identifiers: ClinVar variation 1026917 (VCV001026917.5), dbSNP rs1242395636, ClinGen allele CA372688698.

ClinVar aggregate classification (germline): Uncertain significance (1 of 4 stars; one submission).

Conditions:
Baller-Gerold syndrome (BGS). Also called: CRANIOSYNOSTOSIS WITH RADIAL DEFECTS. Identifiers: Orphanet 1225, MedGen C0265308, MONDO:0009039, OMIM 218600.

Submission:

Labcorp Genetics (formerly Invitae), Labcorp
Classification: Uncertain significance for Baller-Gerold syndrome. Last evaluated: 2023-08-17. Review status: criteria provided, single submitter. Criteria: Invitae Variant Classification Sherloc (09022015). Collection method: clinical testing. Allele origin: germline.
Comment: In summary, the available evidence is currently insufficient to determine the role of this variant in disease. Therefore, it has been classified as a Variant of Uncertain Significance. Advanced modeling of protein sequence and biophysical properties (such as structural, functional, and spatial information, amino acid conservation, physicochemical variation, residue mobility, and thermodynamic stability) performed at Invitae indicates that this missense variant is not expected to disrupt RECQL4 protein function. ClinVar contains an entry for this variant (Variation ID: 1026917). This variant has not been reported in the literature in individuals affected with RECQL4-related conditions. This variant is not present in population databases (gnomAD no frequency). This sequence change replaces proline, which is neutral and non-polar, with leucine, which is neutral and non-polar, at codon 302 of the RECQL4 protein (p.Pro302Leu).